The following is an entry in ClinVar:

ClinVar aggregate classification (germline): Uncertain significance (1 of 4 stars; one submission).

Submission:

Women's Health and Genetics/Laboratory Corporation of America, LabCorp
Classification: Uncertain significance. Last evaluated: 2025-09-26. Review status: criteria provided, single submitter. Criteria: LabCorp Variant Classification Summary - May 2015. Collection method: clinical testing. Allele origin: germline.
Comment: Variant summary: The variant involves the duplication of exons 1-6 in the EGFR gene. A presumed nomenclature of c.(?_-262)_(747+1_748-1)dup has been designated for the purposes of this classification. The exact breakpoint at the 5' end of this variant is unknown, therefore this duplication may extend upstream of the annotated region of this gene. It is predicted to duplicate a segment including the initiation codon, therefore its impact on the encoded protein is unknown. The variant was absent in 21694 control chromosomes. The available data on variant occurrences in the general population are insufficient to allow any conclusion about variant significance. To our knowledge, no occurrence of c.(?_-262)_(747+1_748-1)dup in individuals affected with EGFR-related conditions and no experimental evidence demonstrating its impact on protein function have been reported. ClinVar contains an entry for this variant (Variation ID: 3245836, 830740). Based on the evidence outlined above, the variant was classified as uncertain significance.

NC_000007.13:g.(?_55086709)_(55220358_55221703)dup

Gene: EGFR (epidermal growth factor receptor; plus strand). Cytogenetic location: 7p11.2.
Variant type: Duplication.
Identifiers: ClinVar variation 4535946 (VCV004535946.1).